The following is an entry in ClinVar:

ClinVar aggregate classification (germline): Uncertain significance (1 of 4 stars; one submission).

Conditions:
Sulfite oxidase deficiency due to molybdenum cofactor deficiency type C. Also called: Molybdenum cofactor deficiency, complementation group C; Molybdenum cofactor deficiency C. Identifiers: Orphanet 308400, Orphanet 833, MedGen C1854990, MONDO:0014212, OMIM 615501.

Submission:

Labcorp Genetics (formerly Invitae), Labcorp
Classification: Uncertain significance for Sulfite oxidase deficiency due to molybdenum cofactor deficiency type C. Last evaluated: 2020-02-24. Review status: criteria provided, single submitter. Criteria: Invitae Variant Classification Sherloc (09022015). Collection method: clinical testing. Allele origin: germline.
Comment: Algorithms developed to predict the effect of missense changes on protein structure and function do not agree on the potential impact of this missense change (SIFT: "Deleterious"; PolyPhen-2: "Probably Damaging"; Align-GVGD: "Class C0"). This variant has not been reported in the literature in individuals with GPHN-related disease. This variant is not present in population databases (ExAC no frequency). This sequence change replaces leucine with phenylalanine at codon 48 of the GPHN protein (p.Leu48Phe). The leucine residue is moderately conserved and there is a small physicochemical difference between leucine and phenylalanine. Algorithms developed to predict the effect of sequence changes on RNA splicing suggest that this variant may disrupt the consensus splice site, but this prediction has not been confirmed by published transcriptional studies. In summary, the available evidence is currently insufficient to determine the role of this variant in disease. Therefore, it has been classified as a Variant of Uncertain Significance.

NM_020806.5(GPHN):c.144G>T (p.Leu48Phe)

Gene: GPHN (gephyrin; plus strand). Cytogenetic location: 14q23.3.
Variant type: single nucleotide variant.
Coding change: c.144G>T on transcript NM_020806.5 (MANE Select); coding-DNA position 144, G replaced by T.
Protein change: p.Leu48Phe; replaces leucine 48 with phenylalanine.
Molecular consequence: missense variant.
Genome position (GRCh38, 1-based): chr14:66,776,464, G>T. VCF-style: chr14-66776464-G-T. GRCh37 (hg19) VCF-style: chr14-67243182-G-T.
Other names: c.144G>T, p.Leu48Phe (NM_001024218.2, NM_001377514.1, NM_001377515.1 and 4 more transcripts); short protein forms L48F.
Identifiers: ClinVar variation 573810 (VCV000573810.9), dbSNP rs1381377609, ClinGen allele CA390255174.